The following is an entry in ClinVar:

ClinVar aggregate classification (germline): Likely benign (1 of 4 stars; one submission).

Allele frequency attached by ClinVar (database versions not stated): 1000 Genomes Project 30x 0.00078; 1000 Genomes Project 0.00080; TOPMed 0.00274; gnomAD 0.00373 and 0.00396.
gnomAD v4.1: 563 of 152,008 alleles (0.37%); highest among the groups gnomAD compares: Non-Finnish European, 0.53%; 3 homozygotes.

Submission:

GeneDx
Classification: Likely benign. Last evaluated: 2018-06-14. Review status: criteria provided, single submitter. Criteria: GeneDx Variant Classification (06012015). Collection method: clinical testing. Allele origin: germline. Affected: yes.
Comment: This variant is considered likely benign or benign based on one or more of the following criteria: it is a conservative change, it occurs at a poorly conserved position in the protein, it is predicted to be benign by multiple in silico algorithms, and/or has population frequency not consistent with disease.

NM_000069.3(CACNA1S):c.1619+299C>A

Gene: CACNA1S (calcium voltage-gated channel subunit alpha1 S; minus strand). Cytogenetic location: 1q32.1.
Variant type: single nucleotide variant.
Coding change: c.1619+299C>A on transcript NM_000069.3 (MANE Select); 299 bases into the intron after coding-DNA position 1619, C replaced by A.
Molecular consequence: intron variant.
Genome position (GRCh38, 1-based): chr1:201,077,580, G>T on the plus strand (C>A on the coding strand, the complement: CACNA1S is on the minus strand). VCF-style: chr1-201077580-G-T. GRCh37 (hg19) VCF-style: chr1-201046708-G-T.
Identifiers: ClinVar variation 672467 (VCV000672467.1), dbSNP rs144563050, ClinGen allele CA35978317.
Genomic context (GRCh38, chr1:201,077,580, plus strand): 5'-CCTGATAGTCTGTGTTCCTCCTTCTTTCTTATTTCCACCCCTTTCCCTACAGCTCTTCCT[G>T]TCCTCCTTCCCTCTTCCCATCTTTCCTTTTCTTTTCTTCCTTTCTCTTTTCCACCACCCC-3'